The following is an entry in ClinVar:

ClinVar aggregate classification (germline): Uncertain significance (1 of 4 stars; one submission).

Conditions:
Hereditary cancer-predisposing syndrome. Also called: Neoplastic Syndromes, Hereditary; Tumor predisposition; Hereditary neoplastic syndrome; Hereditary Cancer Syndrome. Identifiers: Orphanet 140162, MedGen C0027672, MeSH D009386, MONDO:0015356.

Submission:

Ambry Genetics
Classification: Uncertain significance for Hereditary cancer-predisposing syndrome. Last evaluated: 2025-05-29. Review status: criteria provided, single submitter. Criteria: Ambry Variant Classification Scheme 2023. Collection method: clinical testing. Allele origin: germline.
Comment: The p.G208D variant (also known as c.623G>A), located in coding exon 2 of the MEN1 gene, results from a G to A substitution at nucleotide position 623. The glycine at codon 208 is replaced by aspartic acid, an amino acid with similar properties. This amino acid position is conserved. In addition, this alteration is predicted to be deleterious by in silico analysis. Based on the available evidence, the clinical significance of this variant remains unclear.

NM_001370259.2(MEN1):c.623G>A (p.Gly208Asp)

Gene: MEN1 (menin 1; minus strand). Cytogenetic location: 11q13.1.
Variant type: single nucleotide variant.
Coding change: c.623G>A on transcript NM_001370259.2 (MANE Select); coding-DNA position 623, G replaced by A.
Protein change: p.Gly208Asp; replaces glycine 208 with aspartic acid.
Molecular consequence: missense variant. On other transcripts: non-coding transcript variant (4), intron variant (5).
Genome position (GRCh38, 1-based): chr11:64,807,922, C>T on the plus strand (G>A on the coding strand, the complement: MEN1 is on the minus strand). VCF-style: chr11-64807922-C-T. GRCh37 (hg19) VCF-style: chr11-64575394-C-T.
Other names: c.638G>A, p.Gly213Asp (NM_000244.4, NM_001407145.1, NM_001407150.1 and 5 more transcripts); c.623G>A, p.Gly208Asp (NM_001370251.2, NM_001370260.2, NM_001370261.2 and 7 more transcripts); c.549+74G>A (NM_001407148.1, NM_001407149.1, NM_001407151.1 and 2 more transcripts); short protein forms G208D, G213D.
Identifiers: ClinVar variation 4053816 (VCV004053816.1).